The following is an entry in ClinVar:

ClinVar aggregate classification (germline): Likely pathogenic (1 of 4 stars; one submission).

gnomAD v4.1: 1 of 1,580,702 alleles (0.000063%); highest among the groups gnomAD compares: Non-Finnish European, 0.000086%; no homozygotes.

Submission:

Labcorp Genetics (formerly Invitae), Labcorp
Classification: Likely pathogenic. Last evaluated: 2022-05-24. Review status: criteria provided, single submitter. Criteria: Invitae Variant Classification Sherloc (09022015). Collection method: clinical testing. Allele origin: germline.
Comment: In summary, the currently available evidence indicates that the variant is pathogenic, but additional data are needed to prove that conclusively. Therefore, this variant has been classified as Likely Pathogenic. Algorithms developed to predict the effect of sequence changes on RNA splicing suggest that this variant may disrupt the consensus splice site. This variant has not been reported in the literature in individuals affected with CRIPT-related conditions. This variant is not present in population databases (gnomAD no frequency). This sequence change affects a donor splice site in intron 2 of the CRIPT gene. It is expected to disrupt RNA splicing. Variants that disrupt the donor or acceptor splice site typically lead to a loss of protein function (PMID: 16199547), and loss-of-function variants in CRIPT are known to be pathogenic (PMID: 24389050, 27250922).

Literature cited by the submitters: PubMed 16199547; PubMed 24389050; PubMed 27250922.

NM_014171.6(CRIPT):c.82+1G>A

Gene: CRIPT (CXXC repeat containing interactor of PDZ3 domain; plus strand). Cytogenetic location: 2p21.
Variant type: single nucleotide variant.
Coding change: c.82+1G>A on transcript NM_014171.6 (MANE Select); the canonical splice donor site of the intron after coding-DNA position 82, G replaced by A.
Molecular consequence: splice donor variant.
Genome position (GRCh38, 1-based): chr2:46,618,839, G>A. VCF-style: chr2-46618839-G-A. GRCh37 (hg19) VCF-style: chr2-46845978-G-A.
Identifiers: ClinVar variation 1997112 (VCV001997112.4), dbSNP rs2466583881, ClinGen allele CA346700846.
Genomic context (GRCh38, chr2:46,618,839, plus strand): 5'-AGAAACTTGGTACTGTTATCACTCCAGATACATGGAAAGATGGTGCTAGGAATACCACAG[G>A]TATTTCTTCTTTTAGAAAATAGGAATTTAACCGAATACTTACTGTGAATAATACCTTAGT-3'